The following is an entry in ClinVar:

ClinVar aggregate classification (germline): Pathogenic/Likely pathogenic. Review status: criteria provided, multiple submitters, no conflicts (2 of 4 stars). 2 submissions from 2 submitters: Pathogenic (1); Likely pathogenic (1). Last evaluated 2023-06-29.

Conditions:
Benign recurrent intrahepatic cholestasis type 2 (BRIC2). Also called: Recurrent familial intrahepatic cholestasis 2. Identifiers: Orphanet 65682, Orphanet 99961, MedGen C2608083, MONDO:0011559, OMIM 605479.

Allele frequency attached by ClinVar (database versions not stated): gnomAD exomes below 0.00001.

Submissions (2):

Labcorp Genetics (formerly Invitae), Labcorp
Classification: Pathogenic. Last evaluated: 2023-06-29. Review status: criteria provided, single submitter. Criteria: Invitae Variant Classification Sherloc (09022015). Collection method: clinical testing. Allele origin: germline.
Comment: This variant is not present in population databases (gnomAD no frequency). For these reasons, this variant has been classified as Pathogenic. This variant has not been reported in the literature in individuals affected with ABCB11-related conditions. This sequence change creates a premature translational stop signal (p.Ser22*) in the ABCB11 gene. It is expected to result in an absent or disrupted protein product. Loss-of-function variants in ABCB11 are known to be pathogenic (PMID: 18395098, 20232290).

Baylor Genetics
Classification: Likely pathogenic for Benign recurrent intrahepatic cholestasis type 2. Last evaluated: 2022-08-10. Review status: criteria provided, single submitter. Criteria: ACMG Guidelines, 2015. Collection method: clinical testing. Allele origin: unknown.

Literature cited by the submitters: PubMed 18395098 (cited by Labcorp Genetics (formerly Invitae), Labcorp); PubMed 20232290 (cited by Labcorp Genetics (formerly Invitae), Labcorp).

NM_003742.4(ABCB11):c.65C>G (p.Ser22Ter)

Gene: ABCB11 (ATP binding cassette subfamily B member 11; minus strand). Cytogenetic location: 2q31.1.
Variant type: single nucleotide variant.
Coding change: c.65C>G on transcript NM_003742.4 (MANE Select); coding-DNA position 65, C replaced by G.
Protein change: p.Ser22Ter; replaces serine 22 with a stop codon.
Molecular consequence: nonsense.
Genome position (GRCh38, 1-based): chr2:169,018,061, G>C on the plus strand (C>G on the coding strand, the complement: ABCB11 is on the minus strand). VCF-style: chr2-169018061-G-C. GRCh37 (hg19) VCF-style: chr2-169874571-G-C.
Other names: short protein forms S22*.
Identifiers: ClinVar variation 2674704 (VCV002674704.4), dbSNP rs1695418522, ClinGen allele CA349107341.